The following is an entry in ClinVar:

ClinVar aggregate classification (germline): Likely benign. Review status: criteria provided, single submitter (1 of 4 stars). 2 submissions from 2 submitters: Likely benign (1). 1 of the submissions does not count toward it. Last evaluated 2023-12-13.

Conditions:
CNTNAP2-related disorder. Also called: CNTNAP2-related condition.
Cortical dysplasia-focal epilepsy syndrome (PTHSL1). Also called: Pitt-Hopkins-like syndrome 1. Identifiers: Orphanet 163681, Orphanet 221150, MedGen C2750246, MONDO:0012400, OMIM 610042.

Allele frequency attached by ClinVar (database versions not stated): gnomAD 0.00001; gnomAD exomes 0.00001; TOPMed 0.00001; ExAC 0.00004.
gnomAD v4.1: 17 of 1,614,016 alleles (0.0011%); highest among the groups gnomAD compares: Non-Finnish European, 0.0014%; no homozygotes.

Submissions (2):

Labcorp Genetics (formerly Invitae), Labcorp
Classification: Likely benign for Cortical dysplasia-focal epilepsy syndrome. Last evaluated: 2023-12-13. Review status: criteria provided, single submitter. Criteria: Invitae Variant Classification Sherloc (09022015). Collection method: clinical testing. Allele origin: germline.

PreventionGenetics, part of Exact Sciences
Classification: Likely benign for CNTNAP2-related condition. Last evaluated: 2020-12-17. Review status: no assertion criteria provided. Collection method: clinical testing. Allele origin: germline. Not counted in ClinVar's aggregate classification.
Comment: This variant is classified as likely benign based on ACMG/AMP sequence variant interpretation guidelines (Richards et al. 2015 PMID: 25741868, with internal and published modifications).

NM_014141.6(CNTNAP2):c.2031C>T (p.Asp677=)

Gene: CNTNAP2 (contactin associated protein 2; plus strand). Cytogenetic location: 7q35.
Variant type: single nucleotide variant.
Coding change: c.2031C>T on transcript NM_014141.6 (MANE Select); coding-DNA position 2031, C replaced by T.
Protein change: p.Asp677=; no amino-acid change (aspartic acid 677 retained).
Molecular consequence: synonymous variant.
Genome position (GRCh38, 1-based): chr7:147,639,239, C>T. VCF-style: chr7-147639239-C-T. GRCh37 (hg19) VCF-style: chr7-147336331-C-T.
Other names: c.2031C>T (NM_014141.5).
Identifiers: ClinVar variation 3015039 (VCV003015039.5), dbSNP rs752060241, ClinGen allele CA4546290.